The following is an entry in ClinVar:

ClinVar aggregate classification (germline): Likely pathogenic (1 of 4 stars; one submission).

Conditions:
Renal tubular acidosis with progressive nerve deafness. Also called: RENAL TUBULAR ACIDOSIS, AUTOSOMAL RECESSIVE, WITH PROGRESSIVE NERVE DEAFNESS; RTA WITH PROGRESSIVE NERVE DEAFNESS; Distal Renal Tubular Acidosis with Progressive Sensorineural Deafness; renal tubular acidosis, distal, 2, with progressive sensorineural hearing loss. Identifiers: MedGen C0403554, MONDO:0009968, OMIM 267300.

Submission:

MVZ Medizinische Genetik Mainz
Classification: Likely pathogenic for Renal tubular acidosis with progressive nerve deafness. Last evaluated: 2023-08-15. Review status: criteria provided, single submitter. Criteria: UK Practice Guidelines For Variant Classification V4 01 2020. Collection method: clinical testing. Allele origin: germline. Inheritance: Autosomal recessive inheritance. Affected: yes. Observed: 1 variant allele.
Comment: ACMG Criteria: PVS1_STR,PM2_SUP,PM3_SUP

NM_001692.4(ATP6V1B1):c.1341dup (p.Phe448fs)

Gene: ATP6V1B1 (ATPase H+ transporting V1 subunit B1; plus strand). Cytogenetic location: 2p13.3.
Variant type: Duplication.
Coding change: c.1341dup on transcript NM_001692.4 (MANE Select); coding-DNA position 1341, one base duplicated (A; older notation c.1341dupA).
Protein change: p.Phe448fs; shifts the reading frame from phenylalanine 448.
Molecular consequence: frameshift variant.
Genome position (GRCh38, 1-based): chr2:70,964,828, A duplicated; the last of 2 consecutive A bases (chr2:70,964,827-70,964,828); duplicating either gives the same sequence. VCF-style (leftmost placement, unchanged base first): chr2-70964826-G-GA. GRCh37 (hg19) VCF-style: chr2-71191956-G-GA.
Other names: short protein forms F448fs.
Identifiers: ClinVar variation 3066251 (VCV003066251.1), dbSNP rs2466307556, ClinGen allele CA2740097947.
Genomic context (GRCh38, chr2:70,964,826, plus strand): 5'-CAGGCCATGAAGGCAGTAGTTGGGGAGGAGGCGCTCACCTCTGAGGACCTGCTCTACCTG[G>GA]AATTCCTGCAGAAGTTTGAGAAGAACTTCATCAATCAGGGTAAGGCGCGTCGCTGGTGTG-3'